The following is an entry in ClinVar:

ClinVar aggregate classification (germline): Benign. Review status: criteria provided, multiple submitters, no conflicts (2 of 4 stars). 8 submissions from 5 submitters: Benign (8). Last evaluated 2026-02-02.

Conditions:
Retinitis pigmentosa (RP). Identifiers: Orphanet 791, MedGen C0035334, MeSH D012174, MONDO:0019200, OMIM 268000. Inheritance: Autosomal dominant, autosomal recessive and X linked inheritance.
Cone-rod dystrophy 12 (CORD12). Identifiers: Orphanet 1872, MedGen C2675210, MONDO:0012983, OMIM 612657.
Retinal macular dystrophy type 2 (MCDR2). Also called: Bull's eye macular dystrophy. Identifiers: Orphanet 319640, MedGen C4749334, MONDO:0011957, OMIM 608051.
Stargardt disease 4 (STGD4). Identifiers: Orphanet 827, MedGen C1863534, MONDO:0011370, OMIM 603786.

Allele frequency attached by ClinVar (database versions not stated): gnomAD exomes 0.02725 and 0.03543; ExAC 0.04053; 1000 Genomes Project 0.08387; 1000 Genomes Project 30x 0.08713; ESP Exome Variant Server 0.08894; TOPMed 0.08899; gnomAD 0.09038.
gnomAD v4.1: 53,206 of 1,613,598 alleles (3.3%); highest among the groups gnomAD compares: African/African-American, 24%; 2,743 homozygotes.

Submissions (8):

Labcorp Genetics (formerly Invitae), Labcorp
Classification: Benign. Last evaluated: 2026-02-02. Review status: criteria provided, single submitter. Criteria: Invitae Variant Classification Sherloc (09022015). Collection method: clinical testing. Allele origin: germline.

GeneDx
Classification: Benign. Last evaluated: 2019-02-02. Review status: criteria provided, single submitter. Criteria: GeneDx Variant Classification Process June 2021. Collection method: clinical testing. Allele origin: germline. Affected: yes.

Illumina Laboratory Services, Illumina
Classification: Benign for Cone-rod dystrophy 12. Last evaluated: 2018-01-13. Review status: criteria provided, single submitter. Criteria: ICSL Variant Classification Criteria 13 December 2019. Collection method: clinical testing. Allele origin: germline.
Comment: This variant was observed in the ICSL laboratory as part of a predisposition screen in an ostensibly healthy population. It had not been previously curated by ICSL or reported in the Human Gene Mutation Database (HGMD: prior to June 1st, 2018), and was therefore a candidate for classification through an automated scoring system. Utilizing variant allele frequency, disease prevalence and penetrance estimates, and inheritance mode, an automated score was calculated to assess if this variant is too frequent to cause the disease. Based on the score and internal cut-off values, a variant classified as benign is not then subjected to further curation. The score for this variant resulted in a classification of benign for this disease.

Illumina Laboratory Services, Illumina
Classification: Benign for Retinitis pigmentosa. Last evaluated: 2018-01-13. Review status: criteria provided, single submitter. Criteria: ICSL Variant Classification Criteria 13 December 2019. Collection method: clinical testing. Allele origin: germline.
Comment: the same text as in the submission from Illumina Laboratory Services, Illumina above.

Illumina Laboratory Services, Illumina
Classification: Benign for Stargardt disease 4. Last evaluated: 2018-01-13. Review status: criteria provided, single submitter. Criteria: ICSL Variant Classification Criteria 13 December 2019. Collection method: clinical testing. Allele origin: germline.
Comment: the same text as in the submission from Illumina Laboratory Services, Illumina above.

Illumina Laboratory Services, Illumina
Classification: Benign for Retinal macular dystrophy type 2. Last evaluated: 2018-01-13. Review status: criteria provided, single submitter. Criteria: ICSL Variant Classification Criteria 13 December 2019. Collection method: clinical testing. Allele origin: germline.
Comment: the same text as in the submission from Illumina Laboratory Services, Illumina above.

Breakthrough Genomics
Classification: Benign. Review status: criteria provided, single submitter. Criteria: ACMG Guidelines, 2015. Collection method: not provided. Allele origin: germline. Inheritance: Autosomal recessive inheritance. Affected: yes.

PreventionGenetics, part of Exact Sciences
Classification: Benign. Review status: criteria provided, single submitter. Criteria: ACMG Guidelines, 2015. Collection method: clinical testing. Allele origin: germline.

NM_006017.3(PROM1):c.129C>T (p.Thr43=)

Gene: PROM1 (prominin 1; minus strand). Cytogenetic location: 4p15.32.
Variant type: single nucleotide variant.
Coding change: c.129C>T on transcript NM_006017.3 (MANE Select); coding-DNA position 129, C replaced by T.
Protein change: p.Thr43=; no amino-acid change (threonine 43 retained).
Molecular consequence: synonymous variant.
Genome position (GRCh38, 1-based): chr4:16,075,778, G>A on the plus strand (C>T on the coding strand, the complement: PROM1 is on the minus strand). VCF-style: chr4-16075778-G-A. GRCh37 (hg19) VCF-style: chr4-16077401-G-A.
Other names: c.129C>T, p.Thr43= (NM_001145847.2, NM_001145848.2, NM_001145849.2 and 6 more transcripts).
Identifiers: ClinVar variation 259902 (VCV000259902.17), dbSNP rs10033086, ClinGen allele CA2867187.